The following is an entry in ClinVar:

NM_017617.5(NOTCH1):c.542A>T (p.Glu181Val)

Gene: NOTCH1 (notch receptor 1; minus strand). Cytogenetic location: 9q34.3.
Variant type: single nucleotide variant.
Coding change: c.542A>T on transcript NM_017617.5 (MANE Select); coding-DNA position 542, A replaced by T.
Protein change: p.Glu181Val; replaces glutamic acid 181 with valine.
Molecular consequence: missense variant.
Genome position (GRCh38, 1-based): chr9:136,523,050, T>A on the plus strand (A>T on the coding strand, the complement: NOTCH1 is on the minus strand). VCF-style: chr9-136523050-T-A. GRCh37 (hg19) VCF-style: chr9-139417502-T-A.
Other names: short protein forms E181V.
Identifiers: ClinVar variation 5025802 (VCV005025802.1).

ClinVar aggregate classification (germline): Uncertain significance (1 of 4 stars; one submission).

Conditions:
Familial thoracic aortic aneurysm and aortic dissection (TAAD). Also called: Thoracic aortic aneurysms and dissections. Identifiers: Orphanet 91387, MedGen C4707243, MONDO:0019625.

Submission:

Ambry Genetics
Classification: Uncertain significance for Familial thoracic aortic aneurysm and aortic dissection. Last evaluated: 2026-07-21. Review status: criteria provided, single submitter. Criteria: Ambry Variant Classification Scheme 2023. Collection method: clinical testing. Allele origin: germline.
Comment: The p.E181V variant (also known as c.542A>T), located in coding exon 4 of the NOTCH1 gene, results from an A to T substitution at nucleotide position 542. The glutamic acid at codon 181 is replaced by valine, an amino acid with dissimilar properties. This amino acid position is conserved. In addition, this alteration is predicted to be deleterious by in silico analysis. Based on the available evidence, the clinical significance of this variant remains unclear.